The following is an entry in ClinVar:

NM_001868.4(CPA1):c.350T>C (p.Phe117Ser)

Gene: CPA1 (carboxypeptidase A1; plus strand). Cytogenetic location: 7q32.2.
Variant type: single nucleotide variant.
Coding change: c.350T>C on transcript NM_001868.4 (MANE Select); coding-DNA position 350, T replaced by C.
Protein change: p.Phe117Ser; replaces phenylalanine 117 with serine.
Molecular consequence: missense variant.
Genome position (GRCh38, 1-based): chr7:130,381,832, T>C. VCF-style: chr7-130381832-T-C. GRCh37 (hg19) VCF-style: chr7-130021673-T-C.
Other names: short protein forms F117S.
Identifiers: ClinVar variation 1732150 (VCV001732150.2), dbSNP rs2536005539, ClinGen allele CA369280433.

ClinVar aggregate classification (germline): Uncertain significance (1 of 4 stars; one submission).

Conditions:
Hereditary pancreatitis (PCTT). Also called: Hereditary chronic pancreatitis; PRSS1-Related Hereditary Pancreatitis. Identifiers: Orphanet 676, MedGen C0238339, MONDO:0008185, OMIM 167800.

Allele frequency attached by ClinVar (database versions not stated): gnomAD exomes below 0.00001.
gnomAD v4.1: 1 of 1,614,016 alleles (0.000062%); highest among the groups gnomAD compares: Non-Finnish European, 0.000085%; no homozygotes.

Submission:

Ambry Genetics
Classification: Uncertain significance for Hereditary pancreatitis. Last evaluated: 2022-09-11. Review status: criteria provided, single submitter. Criteria: Ambry Variant Classification Scheme 2023. Collection method: clinical testing. Allele origin: germline.
Comment: The p.F117S variant (also known as c.350T>C), located in coding exon 3 of the CPA1 gene, results from a T to C substitution at nucleotide position 350. The phenylalanine at codon 117 is replaced by serine, an amino acid with highly dissimilar properties. This amino acid position is conserved. In addition, the in silico prediction for this alteration is inconclusive. Since supporting evidence is limited at this time, the clinical significance of this alteration remains unclear.